The following is an entry in ClinVar:

NM_022785.4(EFCAB6):c.480A>G (p.Arg160=)

Gene: EFCAB6 (EF-hand calcium binding domain 6; minus strand). Cytogenetic location: 22q13.2.
Variant type: single nucleotide variant.
Coding change: c.480A>G on transcript NM_022785.4 (MANE Select); coding-DNA position 480, A replaced by G.
Protein change: p.Arg160=; no amino-acid change (arginine 160 retained).
Molecular consequence: synonymous variant.
Genome position (GRCh38, 1-based): chr22:43,755,793, T>C on the plus strand (A>G on the coding strand, the complement: EFCAB6 is on the minus strand). VCF-style: chr22-43755793-T-C. GRCh37 (hg19) VCF-style: chr22-44151673-T-C.
Other names: c.24A>G, p.Arg8= (NM_198856.3).
Identifiers: ClinVar variation 2653270 (VCV002653270.24), dbSNP rs767601462, ClinGen allele CA10276824.

ClinVar aggregate classification (germline): Likely benign (1 of 4 stars; one submission).

Allele frequency attached by ClinVar (database versions not stated): TOPMed below 0.00001; ExAC 0.00001; gnomAD 0.00001.
gnomAD v4.1: 1 of 1,607,452 alleles (0.000062%); highest among the groups gnomAD compares: Non-Finnish European, 0.000085%; no homozygotes.

Submission:

CeGaT Center for Human Genetics Tuebingen
Classification: Likely benign. Last evaluated: 2023-06-01. Review status: criteria provided, single submitter. Criteria: CeGaT Center For Human Genetics Tuebingen Variant Classification Criteria Version 2. Collection method: clinical testing. Allele origin: germline. Affected: yes. Observed: 1 variant allele.
Comment: EFCAB6: BP4, BP7